The following is an entry in ClinVar:

ClinVar aggregate classification (germline): Pathogenic. Review status: criteria provided, single submitter (1 of 4 stars). 2 submissions from 2 submitters: Pathogenic (1). 1 of the submissions does not count toward it. Last evaluated 2025-01-31.

Conditions:
Hermansky-Pudlak syndrome 3 (HPS3). Identifiers: Orphanet 231512, Orphanet 79430, MedGen C3888001, MONDO:0013555, OMIM 614072.

Submissions (2):

Mayo Clinic Laboratories, Mayo Clinic
Classification: Pathogenic. Last evaluated: 2025-01-31. Review status: criteria provided, single submitter. Criteria: ACMG Guidelines, 2015. Collection method: clinical testing. Allele origin: germline. Observed: 1 variant allele.
Comment: PM2_supporting, PM3_supporting, PS4_moderate, PVS1

OMIM
Classification: Pathogenic for HERMANSKY-PUDLAK SYNDROME 3. Last evaluated: 2001-11-01. Review status: no assertion criteria provided. Collection method: literature only. Allele origin: germline. Not counted in ClinVar's aggregate classification.

Literature cited by the submitters: PubMed 11590544 (cited by Mayo Clinic Laboratories, Mayo Clinic and OMIM); PubMed 31898847 (cited by Mayo Clinic Laboratories, Mayo Clinic); PubMed 33423334 (cited by Mayo Clinic Laboratories, Mayo Clinic).

NM_032383.5(HPS3):c.1691+2T>G

Gene: HPS3 (HPS3 biogenesis of lysosomal organelles complex 2 subunit 1; plus strand). Cytogenetic location: 3q24.
Variant type: single nucleotide variant.
Coding change: c.1691+2T>G on transcript NM_032383.5 (MANE Select); the canonical splice donor site of the intron after coding-DNA position 1691, T replaced by G.
Molecular consequence: splice donor variant.
Genome position (GRCh38, 1-based): chr3:149,157,533, T>G. VCF-style: chr3-149157533-T-G. GRCh37 (hg19) VCF-style: chr3-148875320-T-G.
Other names: p.?; 1831+2T-G; c.1196+2T>G (NM_001308258.2).
Identifiers: ClinVar variation 4610 (VCV000004610.4), dbSNP rs281865093, ClinGen allele CA340270.
Genomic context (GRCh38, chr3:149,157,533, plus strand): 5'-GCAGAGCTTTTGGAAGCATTTAAGGAAAGCTGTGGGCACCTTGGGGACTGTTACAGCAGG[T>G]GGGTGACACCTCTTGGAACCTTGTTACAGAAGTCATCTTGAACTTTGGGTACACTTGTTA-3'